The following is an entry in ClinVar:

ClinVar aggregate classification (germline): Uncertain significance (1 of 4 stars; one submission).

Allele frequency attached by ClinVar (database versions not stated): TOPMed below 0.00001.
gnomAD v4.1: 1 of 1,608,882 alleles (0.000062%); highest among the groups gnomAD compares: Admixed American, 0.0017%; no homozygotes.

Submission:

Labcorp Genetics (formerly Invitae), Labcorp
Classification: Uncertain significance. Last evaluated: 2022-07-14. Review status: criteria provided, single submitter. Criteria: Invitae Variant Classification Sherloc (09022015). Collection method: clinical testing. Allele origin: germline.
Comment: This sequence change replaces proline, which is neutral and non-polar, with leucine, which is neutral and non-polar, at codon 807 of the IARS protein (p.Pro807Leu). This variant is not present in population databases (gnomAD no frequency). This variant has not been reported in the literature in individuals affected with IARS-related conditions. Algorithms developed to predict the effect of missense changes on protein structure and function (SIFT, PolyPhen-2, Align-GVGD) all suggest that this variant is likely to be disruptive. In summary, the available evidence is currently insufficient to determine the role of this variant in disease. Therefore, it has been classified as a Variant of Uncertain Significance.

NM_002161.6(IARS1):c.2420C>T (p.Pro807Leu)

Gene: IARS1 (isoleucyl-tRNA synthetase 1; minus strand). Cytogenetic location: 9q22.31.
Variant type: single nucleotide variant.
Coding change: c.2420C>T on transcript NM_002161.6 (MANE Select); coding-DNA position 2420, C replaced by T.
Protein change: p.Pro807Leu; replaces proline 807 with leucine.
Molecular consequence: missense variant. On other transcripts: non-coding transcript variant (1).
Genome position (GRCh38, 1-based): chr9:92,250,722, G>A on the plus strand (C>T on the coding strand, the complement: IARS1 is on the minus strand). VCF-style: chr9-92250722-G-A. GRCh37 (hg19) VCF-style: chr9-95013004-G-A.
Other names: c.2345C>T, p.Pro782Leu (NM_001374299.1, NM_001374300.1, NM_001378584.1); c.2336C>T, p.Pro779Leu (NM_001374301.1); c.2483C>T, p.Pro828Leu (NM_001378569.1); c.2441C>T, p.Pro814Leu (NM_001378571.1); c.2420C>T, p.Pro807Leu (NM_001378572.1, NM_001378573.1, NM_001378574.1 and 9 more transcripts); c.2324C>T, p.Pro775Leu (NM_001378582.1); c.2297C>T, p.Pro766Leu (NM_001378583.1); short protein forms P766L, P779L, P782L, P775L, P807L, P814L, P828L.
Identifiers: ClinVar variation 1918971 (VCV001918971.2), dbSNP rs746731101, ClinGen allele CA373814080.